The following is an entry in ClinVar:

ClinVar aggregate classification (germline): Uncertain significance. Review status: criteria provided, multiple submitters, no conflicts (2 of 4 stars). 2 submissions from 2 submitters: Uncertain significance (2). Last evaluated 2025-02-01.

Conditions:
Inborn genetic diseases. Identifiers: MedGen C0950123, MeSH D030342.

Allele frequency attached by ClinVar (database versions not stated): gnomAD exomes below 0.00001.
gnomAD v4.1: 1 of 1,613,376 alleles (0.000062%); highest among the groups gnomAD compares: Non-Finnish European, 0.000085%; no homozygotes.

Submissions (2):

Ambry Genetics
Classification: Uncertain significance for Inborn genetic diseases. Last evaluated: 2025-02-01. Review status: criteria provided, single submitter. Criteria: Ambry Variant Classification Scheme 2023. Collection method: clinical testing. Allele origin: germline.

Labcorp Genetics (formerly Invitae), Labcorp
Classification: Uncertain significance. Last evaluated: 2022-06-23. Review status: criteria provided, single submitter. Criteria: Invitae Variant Classification Sherloc (09022015). Collection method: clinical testing. Allele origin: germline.
Comment: This sequence change replaces tryptophan, which is neutral and slightly polar, with glycine, which is neutral and non-polar, at codon 738 of the TCIRG1 protein (p.Trp738Gly). This variant is not present in population databases (gnomAD no frequency). In summary, the available evidence is currently insufficient to determine the role of this variant in disease. Therefore, it has been classified as a Variant of Uncertain Significance. Algorithms developed to predict the effect of missense changes on protein structure and function are either unavailable or do not agree on the potential impact of this missense change (SIFT: "Deleterious"; PolyPhen-2: "Probably Damaging"; Align-GVGD: "Class C0"). This variant has not been reported in the literature in individuals affected with TCIRG1-related conditions.

NM_006019.4(TCIRG1):c.2212T>G (p.Trp738Gly)

Gene: TCIRG1 (T cell immune regulator 1, ATPase H+ transporting V0 subunit a3; plus strand). Cytogenetic location: 11q13.2.
Variant type: single nucleotide variant.
Coding change: c.2212T>G on transcript NM_006019.4 (MANE Select); coding-DNA position 2212, T replaced by G.
Protein change: p.Trp738Gly; replaces tryptophan 738 with glycine.
Molecular consequence: missense variant.
Genome position (GRCh38, 1-based): chr11:68,050,230, T>G. VCF-style: chr11-68050230-T-G. GRCh37 (hg19) VCF-style: chr11-67817697-T-G.
Other names: c.2212T>G (NM_006019.3); c.1318T>G, p.Trp440Gly (NM_001351059.2); c.1564T>G, p.Trp522Gly (NM_006053.4); short protein forms W440G, W738G, W522G.
Identifiers: ClinVar variation 2009975 (VCV002009975.5), dbSNP rs2495668561, ClinGen allele CA381590668.